The following is an entry in ClinVar:

ClinVar aggregate classification (germline): Uncertain significance (1 of 4 stars; one submission).

Conditions:
ALG1-congenital disorder of glycosylation. Also called: CONGENITAL DISORDER OF GLYCOSYLATION, TYPE Ik; ALG1-CDG; CDG Ik. Identifiers: Orphanet 79327, MedGen C2931005, MONDO:0012052, OMIM 608540.

Allele frequency attached by ClinVar (database versions not stated): TOPMed below 0.00001; gnomAD 0.00001; gnomAD exomes 0.00001.

Submission:

Labcorp Genetics (formerly Invitae), Labcorp
Classification: Uncertain significance for ALG1-congenital disorder of glycosylation. Last evaluated: 2021-09-17. Review status: criteria provided, single submitter. Criteria: Invitae Variant Classification Sherloc (09022015). Collection method: clinical testing. Allele origin: germline.
Comment: This sequence change replaces proline with serine at codon 250 of the ALG1 protein (p.Pro250Ser). The proline residue is weakly conserved and there is a moderate physicochemical difference between proline and serine. This variant is not present in population databases (ExAC no frequency). This variant has not been reported in the literature in individuals affected with ALG1-related conditions. Advanced modeling of protein sequence and biophysical properties (such as structural, functional, and spatial information, amino acid conservation, physicochemical variation, residue mobility, and thermodynamic stability) performed at Invitae indicates that this missense variant is not expected to disrupt ALG1 protein function. In summary, the available evidence is currently insufficient to determine the role of this variant in disease. Therefore, it has been classified as a Variant of Uncertain Significance.

NM_019109.5(ALG1):c.748C>T (p.Pro250Ser)

Gene: ALG1 (ALG1 chitobiosyldiphosphodolichol beta-mannosyltransferase; plus strand). Cytogenetic location: 16p13.3.
Variant type: single nucleotide variant.
Coding change: c.748C>T on transcript NM_019109.5 (MANE Select); coding-DNA position 748, C replaced by T.
Protein change: p.Pro250Ser; replaces proline 250 with serine.
Molecular consequence: missense variant.
Genome position (GRCh38, 1-based): chr16:5,078,764, C>T. VCF-style: chr16-5078764-C-T. GRCh37 (hg19) VCF-style: chr16-5128765-C-T.
Other names: c.415C>T, p.Pro139Ser (NM_001330504.2); short protein forms P139S, P250S.
Identifiers: ClinVar variation 1397965 (VCV001397965.5), dbSNP rs1263087642, ClinGen allele CA394681686.
Genomic context (GRCh38, chr16:5,078,764, plus strand): 5'-GGGTCCCGGGCCTGCTCTATGGCCTCTCACAGGCTTTTTTTCTGCTCCTTCAGCTCAGAA[C>T]CTGAGGACCCAGTCACGGAGCGGTCGGCCTTCACGGAGCGGGATGCTGGGAGCGGGCTGG-3'
Protein context (NP_061982.3, residues 240-260): MHSPFRARSE[Pro250Ser]EDPVTERSAF